The following is an entry in ClinVar:

NM_002474.3(MYH11):c.78C>G (p.Ala26=)

Gene: MYH11 (myosin heavy chain 11; minus strand). Cytogenetic location: 16p13.11.
Variant type: single nucleotide variant.
Coding change: c.78C>G on transcript NM_002474.3 (MANE Select); coding-DNA position 78, C replaced by G.
Protein change: p.Ala26=; no amino-acid change (alanine 26 retained).
Molecular consequence: synonymous variant.
Genome position (GRCh38, 1-based): chr16:15,838,175, G>C on the plus strand (C>G on the coding strand, the complement: MYH11 is on the minus strand). VCF-style: chr16-15838175-G-C. GRCh37 (hg19) VCF-style: chr16-15932032-G-C.
Other names: c.78C>G, p.Ala26= (NM_001040113.2, NM_001040114.2, NM_022844.3).
Identifiers: ClinVar variation 413416 (VCV000413416.14), dbSNP rs917804462, ClinGen allele CA16614603.

ClinVar aggregate classification (germline): Likely benign. Review status: criteria provided, multiple submitters, no conflicts (2 of 4 stars). 3 submissions from 3 submitters: Likely benign (3). Last evaluated 2025-03-30.

Conditions:
Familial thoracic aortic aneurysm and aortic dissection (TAAD). Also called: Thoracic aortic aneurysms and dissections. Identifiers: Orphanet 91387, MedGen C4707243, MONDO:0019625.
Aortic aneurysm, familial thoracic 4 (AAT4). Also called: AORTIC ANEURYSM/AORTIC DISSECTION AND PATENT DUCTUS ARTERIOSUS. Identifiers: MedGen C1851504, MONDO:0007568, OMIM 132900.

Allele frequency attached by ClinVar (database versions not stated): gnomAD exomes below 0.00001; gnomAD 0.00001; TOPMed 0.00002.
gnomAD v4.1: 7 of 1,613,972 alleles (0.00043%); highest among the groups gnomAD compares: Admixed American, 0.0033%; no homozygotes.

Submissions (3):

Labcorp Genetics (formerly Invitae), Labcorp
Classification: Likely benign for Aortic aneurysm, familial thoracic 4. Last evaluated: 2025-03-30. Review status: criteria provided, single submitter. Criteria: Invitae Variant Classification Sherloc (09022015). Collection method: clinical testing. Allele origin: germline.

All of Us Research Program, National Institutes of Health
Classification: Likely benign for Familial thoracic aortic aneurysm and aortic dissection. Last evaluated: 2023-12-01. Review status: criteria provided, single submitter. Criteria: ACMG Guidelines, 2015. Collection method: clinical testing. Allele origin: germline. Inheritance: Autosomal dominant inheritance. Observed: 3 variant alleles, 3 heterozygotes.
Comment: This study involves interpretation of variants in research participants for the purpose of population health screening. Participant phenotype was not available at the time of variant classification. Additional details can be found in publication PMID: 35346344, PMCID: PMC8962531

Ambry Genetics
Classification: Likely benign for Familial thoracic aortic aneurysm and aortic dissection. Last evaluated: 2020-03-16. Review status: criteria provided, single submitter. Criteria: Ambry Variant Classification Scheme 2023. Collection method: clinical testing. Allele origin: germline.